The following is an entry in ClinVar:

ClinVar aggregate classification (germline): Pathogenic/Likely pathogenic. Review status: criteria provided, multiple submitters, no conflicts (2 of 4 stars). 2 submissions from 2 submitters: Pathogenic (1); Likely pathogenic (1). Last evaluated 2024-03-26.

Conditions:
Autosomal recessive nonsyndromic hearing loss 28. Identifiers: Orphanet 90636, MedGen C1853276, MONDO:0012355, OMIM 609823.

Allele frequency attached by ClinVar (database versions not stated): gnomAD exomes 0.00001; gnomAD 0.00004 and 0.00005; TOPMed 0.00013; 1000 Genomes Project 30x 0.00016; 1000 Genomes Project 0.00020.
gnomAD v4.1: 20 of 1,613,918 alleles (0.0012%); highest among the groups gnomAD compares: Middle Eastern, 0.05%; no homozygotes.

Submissions (2):

Genomic Medicine Center of Excellence, King Faisal Specialist Hospital and Research Centre
Classification: Pathogenic for Autosomal recessive nonsyndromic hearing loss 28. Last evaluated: 2024-03-26. Review status: criteria provided, single submitter. Criteria: ACMG Guidelines, 2015. Collection method: clinical testing. Allele origin: germline.

Labcorp Genetics (formerly Invitae), Labcorp
Classification: Likely pathogenic. Last evaluated: 2021-11-29. Review status: criteria provided, single submitter. Criteria: Invitae Variant Classification Sherloc (09022015). Collection method: clinical testing. Allele origin: germline.
Comment: This sequence change affects a donor splice site in intron 10 of the TRIOBP gene. It is expected to disrupt RNA splicing. Variants that disrupt the donor or acceptor splice site typically lead to a loss of protein function (PMID: 16199547), and loss-of-function variants in TRIOBP are known to be pathogenic (PMID: 16385457, 16385458, 20510926). This variant is present in population databases (rs575123401, gnomAD 0.009%). This variant has not been reported in the literature in individuals affected with TRIOBP-related conditions. Algorithms developed to predict the effect of sequence changes on RNA splicing suggest that this variant may disrupt the consensus splice site. In summary, the currently available evidence indicates that the variant is pathogenic, but additional data are needed to prove that conclusively. Therefore, this variant has been classified as Likely Pathogenic.

Literature cited by the submitters: PubMed 16199547 (cited by Labcorp Genetics (formerly Invitae), Labcorp); PubMed 16385457 (cited by Labcorp Genetics (formerly Invitae), Labcorp); PubMed 16385458 (cited by Labcorp Genetics (formerly Invitae), Labcorp); PubMed 20510926 (cited by Labcorp Genetics (formerly Invitae), Labcorp).

NM_001039141.3(TRIOBP):c.5184+1G>A

Gene: TRIOBP (TRIO and F-actin binding protein; plus strand). Cytogenetic location: 22q13.1.
Variant type: single nucleotide variant.
Coding change: c.5184+1G>A on transcript NM_001039141.3 (MANE Select); the canonical splice donor site of the intron after coding-DNA position 5184, G replaced by A.
Molecular consequence: splice donor variant.
Genome position (GRCh38, 1-based): chr22:37,738,720, G>A. VCF-style: chr22-37738720-G-A. GRCh37 (hg19) VCF-style: chr22-38134727-G-A.
Identifiers: ClinVar variation 1511999 (VCV001511999.7), dbSNP rs575123401, ClinGen allele CA324145931.